The following is an entry in ClinVar:

Conditions:
Breast-ovarian cancer, familial, susceptibility to, 1 (BROVCA1). Also called: BRCA1 Hereditary Breast and Ovarian Cancer; OVARIAN CANCER, SUSCEPTIBILITY TO. Identifiers: Orphanet 145, MedGen C2676676, MONDO:0011450, OMIM 604370. Disease mechanism: loss of function.

Submission:

Brotman Baty Institute, University of Washington
No classification provided (evidence only). Condition: Breast-ovarian cancer, familial 1. Review status: no classification provided. Collection method: in vitro. Allele origin: not applicable. Functional consequence: functionally_normal.
ClinVar note: "not provided" was previously submitted as the classification for the variant. However, the classification appeared to be based only on an observation of functional data so it was converted to no classification on 2025-07-30.

NM_007294.4(BRCA1):c.5400T>C (p.Leu1800=)

Gene: BRCA1 (BRCA1 DNA repair associated; minus strand). Cytogenetic location: 17q21.31.
Variant type: single nucleotide variant.
Coding change: c.5400T>C on transcript NM_007294.4 (MANE Select); coding-DNA position 5400, T replaced by C.
Protein change: p.Leu1800=; no amino-acid change (leucine 1800 retained).
Molecular consequence: synonymous variant. On other transcripts: intron variant (19).
Genome position (GRCh38, 1-based): chr17:43,049,127, A>G on the plus strand (T>C on the coding strand, the complement: BRCA1 is on the minus strand). VCF-style: chr17-43049127-A-G. GRCh37 (hg19) VCF-style: chr17-41201144-A-G.
Other names: c.5187T>C, p.Leu1729= (NM_001407571.1, NM_001407894.1, NM_001407895.1 and 12 more transcripts); c.5466T>C, p.Leu1822= (NM_001407581.1, NM_001407582.1); c.5463T>C, p.Leu1821= (NM_001407583.1, NM_001407585.1, NM_001407587.1 and 1 more transcripts); c.5460T>C, p.Leu1820= (NM_001407590.1, NM_001407591.1); c.5400T>C, p.Leu1800= (NM_001407593.1, NM_001407594.1, NM_001407596.1 and 5 more transcripts); c.5397T>C, p.Leu1799= (NM_001407610.1, NM_001407611.1, NM_001407612.1 and 14 more transcripts); c.5394T>C, p.Leu1798= (NM_001407627.1, NM_001407628.1, NM_001407629.1 and 13 more transcripts); c.5391T>C, p.Leu1797= (NM_001407644.1, NM_001407645.1); and 84 more.
Identifiers: ClinVar variation 865422 (VCV000865422.3), dbSNP rs2051073782, ClinGen allele CA500143278.